The following is an entry in ClinVar:

NM_005343.4(HRAS):c.534C>G (p.Gly178=)

Genes: HRAS (HRas proto-oncogene, GTPase; minus strand), LRRC56 (leucine rich repeat containing 56; plus strand). Cytogenetic location: 11p15.5.
Variant type: single nucleotide variant.
Coding change: c.534C>G on transcript NM_005343.4 (MANE Select); coding-DNA position 534, C replaced by G.
Protein change: p.Gly178=; no amino-acid change (glycine 178 retained).
Molecular consequence: synonymous variant. On other transcripts: 3 prime UTR variant (1).
Genome position (GRCh38, 1-based): chr11:532,672, G>C on the plus strand (C>G on the coding strand, the complement: HRAS is on the minus strand). VCF-style: chr11-532672-G-C. GRCh37 (hg19) VCF-style: chr11-532672-G-C.
Other names: c.534C>G, p.Gly178= (NM_001130442.3); c.297C>G, p.Gly99= (NM_001318054.2); c.*103C>G (NM_176795.5).
Identifiers: ClinVar variation 415883 (VCV000415883.45), dbSNP rs770431635, ClinGen allele CA5779213.

ClinVar aggregate classification (germline): Likely benign. Review status: criteria provided, multiple submitters, no conflicts (2 of 4 stars). 8 submissions from 8 submitters: Likely benign (7). 1 of the submissions does not count toward it. Last evaluated 2026-01-06.

Conditions:
HRAS-related disorder. Also called: HRAS-related condition.
Cardiovascular phenotype. Identifiers: MedGen CN230736.
Costello syndrome (CSTLO). Also called: HRAS-Related Costello Syndrome; FACIOCUTANEOSKELETAL SYNDROME; FCS SYNDROME. Identifiers: Orphanet 3071, MedGen C0587248, MONDO:0009026, OMIM 218040.

Allele frequency attached by ClinVar (database versions not stated): gnomAD exomes 0.00002; TOPMed 0.00002; ExAC 0.00003; gnomAD 0.00004.
gnomAD v4.1: 27 of 1,612,874 alleles (0.0017%); highest among the groups gnomAD compares: Non-Finnish European, 0.0023%; no homozygotes.

Submissions (8):

Labcorp Genetics (formerly Invitae), Labcorp
Classification: Likely benign for Costello syndrome. Last evaluated: 2026-01-06. Review status: criteria provided, single submitter. Criteria: Invitae Variant Classification Sherloc (09022015). Collection method: clinical testing. Allele origin: germline.

Laboratory of Genetics, Children's Clinical University Hospital Latvia
Classification: Likely benign. Last evaluated: 2025-02-16. Review status: criteria provided, single submitter. Criteria: ACMG Guidelines, 2015. Collection method: clinical testing. Allele origin: germline. Affected: yes.

Blueprint Genetics
Classification: Likely benign. Last evaluated: 2024-10-04. Review status: criteria provided, single submitter. Criteria: ACMG Guidelines, 2015. Collection method: clinical testing. Allele origin: germline.

CeGaT Center for Human Genetics Tuebingen
Classification: Likely benign. Last evaluated: 2024-07-01. Review status: criteria provided, single submitter. Criteria: CeGaT Center For Human Genetics Tuebingen Variant Classification Criteria Version 2. Collection method: clinical testing. Allele origin: germline. Affected: yes. Observed: 3 variant alleles.
Comment: HRAS: BP4, BP7

GeneDx
Classification: Likely benign. Last evaluated: 2021-06-03. Review status: criteria provided, single submitter. Criteria: GeneDx Variant Classification Process June 2021. Collection method: clinical testing. Allele origin: germline. Affected: yes.

Women's Health and Genetics/Laboratory Corporation of America, LabCorp
Classification: Likely benign. Last evaluated: 2021-04-19. Review status: criteria provided, single submitter. Criteria: LabCorp Variant Classification Summary - May 2015. Collection method: clinical testing. Allele origin: germline.

Ambry Genetics
Classification: Likely benign for Cardiovascular phenotype. Last evaluated: 2019-06-17. Review status: criteria provided, single submitter. Criteria: Ambry Variant Classification Scheme 2023. Collection method: clinical testing. Allele origin: germline.

PreventionGenetics, part of Exact Sciences
Classification: Likely benign for HRAS-related condition. Last evaluated: 2020-09-09. Review status: no assertion criteria provided. Collection method: clinical testing. Allele origin: germline. Not counted in ClinVar's aggregate classification.
Comment: This variant is classified as likely benign based on ACMG/AMP sequence variant interpretation guidelines (Richards et al. 2015 PMID: 25741868, with internal and published modifications).